The following is an entry in ClinVar:

NM_000372.5(TYR):c.221_222del (p.Val74fs)

Gene: TYR (tyrosinase; plus strand). Cytogenetic location: 11q14.3.
Variant type: Deletion.
Coding change: c.221_222del on transcript NM_000372.5 (MANE Select); coding-DNA positions 221 to 222, 2 bases deleted (TG; older notation c.221_222delTG).
Protein change: p.Val74fs; shifts the reading frame from valine 74.
Molecular consequence: frameshift variant.
Genome position (GRCh38, 1-based): chr11:89,178,174-89,178,175, TG deleted; deleting any 2 consecutive bases within chr11:89,178,173-89,178,175 gives the same sequence; the c. name uses the placement nearest the transcript's 3' end. VCF-style (leftmost placement, unchanged base first): chr11-89178172-GGT-G. GRCh37 (hg19) VCF-style: chr11-88911340-GGT-G.
Other names: short protein forms V74fs.
Identifiers: ClinVar variation 1338375 (VCV001338375.14), dbSNP rs767003400, ClinGen allele CA6221063.
Genomic context (GRCh38, chr11:89,178,172, plus strand): 5'-TTCCTGTCAGAATATCCTTCTGTCCAATGCACCACTTGGGCCTCAATTTCCCTTCACAGG[GGT>G]GGATGACCGGGAGTCGTGGCCTTCCGTCTTTTATAATAGGACCTGCCAGTGCTCTGGCAA-3'

ClinVar aggregate classification (germline): Pathogenic/Likely pathogenic. Review status: criteria provided, multiple submitters, no conflicts (2 of 4 stars). 7 submissions from 7 submitters: Pathogenic (6); Likely pathogenic (1). Last evaluated 2025-08-28.

Conditions:
TYR-related disorder. Also called: TYR-related condition.
Oculocutaneous albinism type 1. Also called: Albinism 1; ALBINISM I. Identifiers: Orphanet 352731, MedGen C0268494, MONDO:0018135. Disease mechanism: loss of function.
SKIN/HAIR/EYE PIGMENTATION 3, LIGHT/DARK SKIN (SHEP3). Also called: SKIN/HAIR/EYE PIGMENTATION, VARIATION IN, 3; EYE COLOR 1; EYE COLOR, GREEN/BLUE; SKIN/HAIR/EYE PIGMENTATION 3, BLUE/GREEN EYE COLOR; SKIN/HAIR/EYE PIGMENTATION 3, FRECKLING. Identifiers: MedGen C2677190, OMIM 601800.

Submissions (7):

Myriad Genetics, Inc.
Classification: Pathogenic for Oculocutaneous albinism type 1. Last evaluated: 2025-08-28. Review status: criteria provided, single submitter. Criteria: Myriad Autosomal Dominant, Autosomal Recessive and X-Linked Classification Criteria (2023). Collection method: clinical testing. Allele origin: unknown.
Comment: NM_000372.4(TYR):c.221_222delTG(V74Gfs*2) is a frameshift variant classified as pathogenic in the context of oculocutaneous albinism, TYR-related. V74Gfs*2 has been observed in cases with relevant disease (PMID: 34838614, 37217489). Relevant functional assessments of this variant are not available in the literature. V74Gfs*2 has been observed in referenced population frequency databases. In summary, NM_000372.4(TYR):c.221_222delTG(V74Gfs*2) is a frameshift variant in a gene where loss of function is a known mechanism of disease, is predicted to disrupt protein function, and has been observed more frequently in cases with the relevant disease than in healthy populations. Please note: this variant was assessed in the context of healthy population screening.

Labcorp Genetics (formerly Invitae), Labcorp
Classification: Pathogenic. Last evaluated: 2025-03-23. Review status: criteria provided, single submitter. Criteria: Invitae Variant Classification Sherloc (09022015). Collection method: clinical testing. Allele origin: germline.
Comment: This sequence change creates a premature translational stop signal (p.Val74Glyfs*2) in the TYR gene. It is expected to result in an absent or disrupted protein product. Loss-of-function variants in TYR are known to be pathogenic (PMID: 23504663). This variant is present in population databases (rs767003400, gnomAD 0.01%). This variant has not been reported in the literature in individuals affected with TYR-related conditions. ClinVar contains an entry for this variant (Variation ID: 1338375). For these reasons, this variant has been classified as Pathogenic.

3billion
Classification: Pathogenic for TYR-related disorder. Last evaluated: 2025-02-27. Review status: criteria provided, single submitter. Criteria: ACMG Guidelines, 2015. Collection method: clinical testing. Allele origin: germline. Affected: yes.
Comment: The variant is observed at an extremely low frequency in the gnomAD v4.1.0 dataset (total allele frequency: <0.001%). Predicted Consequence/Location: Frameshift: predicted to result in a loss or disruption of normal protein function through nonsense-mediated decay (NMD) or protein truncation. Multiple pathogenic variants are reported downstream of the variant. The variant has been reported at least twice as pathogenic with clinical assertions and evidence for the classification (ClinVar ID: VCV001338375 /PMID: 34838614). Therefore, this variant is classified as Pathogenic according to the recommendation of ACMG/AMP guideline.

GeneDx
Classification: Pathogenic. Last evaluated: 2024-04-29. Review status: criteria provided, single submitter. Criteria: GeneDx Variant Classification Process June 2021. Collection method: clinical testing. Allele origin: germline. Affected: yes.
Comment: Frameshift variant predicted to result in protein truncation or nonsense mediated decay in a gene for which loss of function is a known mechanism of disease; This variant is associated with the following publications: (PMID: 34838614, 37217489)

Baylor Genetics
Classification: Pathogenic for SKIN/HAIR/EYE PIGMENTATION 3, LIGHT/DARK SKIN. Last evaluated: 2023-08-05. Review status: criteria provided, single submitter. Criteria: ACMG Guidelines, 2015. Collection method: clinical testing. Allele origin: unknown.

Blueprint Genetics
Classification: Likely pathogenic for TYR-related disorders. Last evaluated: 2022-04-18. Review status: criteria provided, single submitter. Criteria: ACMG Guidelines, 2015. Collection method: clinical testing. Allele origin: germline. Affected: yes. Observed: 1 variant allele.

Genetic Services Laboratory, University of Chicago
Classification: Pathogenic. Last evaluated: 2018-03-16. Review status: criteria provided, single submitter. Criteria: ACMG Guidelines, 2015. Collection method: clinical testing. Allele origin: germline. Affected: yes.

Literature cited by the submitters: PubMed 34838614 (cited by Myriad Genetics, Inc. and 3billion); PubMed 37217489 (cited by Myriad Genetics, Inc.); PubMed 23504663 (cited by Labcorp Genetics (formerly Invitae), Labcorp).